The following is an entry in ClinVar:

NM_000138.5(FBN1):c.2277T>C (p.Thr759=)

Gene: FBN1 (fibrillin 1; minus strand). Cytogenetic location: 15q21.1.
Variant type: single nucleotide variant.
Coding change: c.2277T>C on transcript NM_000138.5 (MANE Select); coding-DNA position 2277, T replaced by C.
Protein change: p.Thr759=; no amino-acid change (threonine 759 retained).
Molecular consequence: synonymous variant.
Genome position (GRCh38, 1-based): chr15:48,497,282, A>G on the plus strand (T>C on the coding strand, the complement: FBN1 is on the minus strand). VCF-style: chr15-48497282-A-G. GRCh37 (hg19) VCF-style: chr15-48789479-A-G.
Identifiers: ClinVar variation 928111 (VCV000928111.11), dbSNP rs1028807052, ClinGen allele CA490023592.

ClinVar aggregate classification (germline): Likely benign. Review status: criteria provided, multiple submitters, no conflicts (2 of 4 stars). 3 submissions from 3 submitters: Likely benign (3). Last evaluated 2024-05-30.

Conditions:
Familial thoracic aortic aneurysm and aortic dissection (TAAD). Also called: Thoracic aortic aneurysms and dissections. Identifiers: Orphanet 91387, MedGen C4707243, MONDO:0019625.
Marfan syndrome (MFS). Also called: Marfan syndrome, classic; Marfan syndrome type 1; Marfan's syndrome; FBN1-Related Marfan Syndrome; MARFAN SYNDROME, TYPE I. Identifiers: Orphanet 284963, Orphanet 558, MedGen C0024796, MONDO:0007947, OMIM 154700.

Allele frequency attached by ClinVar (database versions not stated): gnomAD exomes below 0.00001.
gnomAD v4.1: 6 of 1,614,100 alleles (0.00037%); highest among the groups gnomAD compares: East Asian, 0.0022%; no homozygotes.

Submissions (3):

All of Us Research Program, National Institutes of Health
Classification: Likely benign for Marfan syndrome. Last evaluated: 2024-05-30. Review status: criteria provided, single submitter. Criteria: ACMG Guidelines, 2015. Collection method: clinical testing. Allele origin: germline. Inheritance: Autosomal dominant inheritance. Observed: 1 variant allele, 1 heterozygote.
Comment: This study involves interpretation of variants in research participants for the purpose of population health screening. Participant phenotype was not available at the time of variant classification. Additional details can be found in publication PMID: 35346344, PMCID: PMC8962531

Labcorp Genetics (formerly Invitae), Labcorp
Classification: Likely benign for Marfan syndrome; Familial thoracic aortic aneurysm and aortic dissection. Last evaluated: 2023-07-24. Review status: criteria provided, single submitter. Criteria: Invitae Variant Classification Sherloc (09022015). Collection method: clinical testing. Allele origin: germline.

Color Diagnostics, LLC DBA Color Health
Classification: Likely benign for Familial thoracic aortic aneurysm and aortic dissection. Last evaluated: 2020-01-14. Review status: criteria provided, single submitter. Criteria: ACMG Guidelines, 2015. Collection method: clinical testing. Allele origin: germline.